The following is an entry in ClinVar:

NM_004064.5(CDKN1B):c.308C>T (p.Ala103Val)

Gene: CDKN1B (cyclin dependent kinase inhibitor 1B; plus strand). Cytogenetic location: 12p13.1.
Variant type: single nucleotide variant.
Coding change: c.308C>T on transcript NM_004064.5 (MANE Select); coding-DNA position 308, C replaced by T.
Protein change: p.Ala103Val; replaces alanine 103 with valine.
Molecular consequence: missense variant.
Genome position (GRCh38, 1-based): chr12:12,718,147, C>T. VCF-style: chr12-12718147-C-T. GRCh37 (hg19) VCF-style: chr12-12871081-C-T.
Other names: short protein forms A103V.
Identifiers: ClinVar variation 485505 (VCV000485505.16), dbSNP rs773436050, ClinGen allele CA6457457.

ClinVar aggregate classification (germline): Conflicting classifications of pathogenicity. Review status: criteria provided, conflicting classifications (1 of 4 stars). 3 submissions from 3 submitters: Uncertain significance (2); Benign (1). Last evaluated 2025-10-29.

Conditions:
Hereditary cancer-predisposing syndrome. Also called: Hereditary neoplastic syndrome; Neoplastic Syndromes, Hereditary; Tumor predisposition; Hereditary Cancer Syndrome. Identifiers: Orphanet 140162, MedGen C0027672, MeSH D009386, MONDO:0015356.
Multiple endocrine neoplasia type 4. Also called: MULTIPLE ENDOCRINE NEOPLASIA, TYPE IV. Identifiers: Orphanet 276152, MedGen C1970712, MONDO:0012552, OMIM 610755.

Allele frequency attached by ClinVar (database versions not stated): gnomAD 0.00001; gnomAD exomes 0.00003 and 0.00007; ExAC 0.00004.
gnomAD v4.1: 44 of 1,613,924 alleles (0.0027%); highest among the groups gnomAD compares: South Asian, 0.045%; 1 homozygote.

Submissions (3):

Labcorp Genetics (formerly Invitae), Labcorp
Classification: Uncertain significance for Multiple endocrine neoplasia type 4. Last evaluated: 2025-10-29. Review status: criteria provided, single submitter. Criteria: Invitae Variant Classification Sherloc (09022015). Collection method: clinical testing. Allele origin: germline.
Comment: This sequence change replaces alanine, which is neutral and non-polar, with valine, which is neutral and non-polar, at codon 103 of the CDKN1B protein (p.Ala103Val). This variant is present in population databases (rs773436050, gnomAD 0.03%). This variant has not been reported in the literature in individuals affected with CDKN1B-related conditions. ClinVar contains an entry for this variant (Variation ID: 485505). An algorithm developed to predict the effect of missense changes on protein structure and function (PolyPhen-2) suggests that this variant is likely to be tolerated. In summary, the available evidence is currently insufficient to determine the role of this variant in disease. Therefore, it has been classified as a Variant of Uncertain Significance.

Ambry Genetics
Classification: Benign for Hereditary cancer-predisposing syndrome. Last evaluated: 2023-06-15. Review status: criteria provided, single submitter. Criteria: Ambry Variant Classification Scheme 2023. Collection method: clinical testing. Allele origin: germline.

Breakthrough Genomics
Classification: Uncertain significance. Review status: criteria provided, single submitter. Criteria: ACMG Guidelines, 2015. Collection method: not provided. Allele origin: germline. Inheritance: Autosomal dominant inheritance. Affected: yes.